The following is an entry in ClinVar:

ClinVar aggregate classification (germline): Likely benign (1 of 4 stars; one submission).

gnomAD v4.1: 84 of 1,599,128 alleles (0.0053%); highest among the groups gnomAD compares: African/African-American, 0.043%; no homozygotes.

Submission:

CeGaT Center for Human Genetics Tuebingen
Classification: Likely benign. Last evaluated: 2026-04-01. Review status: criteria provided, single submitter. Criteria: CeGaT Center For Human Genetics Tuebingen Variant Classification Criteria Version 2. Collection method: clinical testing. Allele origin: germline. Affected: yes. Observed: 1 variant allele.
Comment: BICRA: BP4, BP7

NM_001394372.1(BICRA):c.4509C>T (p.Ser1503=)

Gene: BICRA (BRD4 interacting chromatin remodeling complex associated protein; plus strand). Cytogenetic location: 19q13.33.
Variant type: single nucleotide variant.
Coding change: c.4509C>T on transcript NM_001394372.1 (MANE Select); coding-DNA position 4509, C replaced by T.
Protein change: p.Ser1503=; no amino-acid change (serine 1503 retained).
Molecular consequence: synonymous variant.
Genome position (GRCh38, 1-based): chr19:47,702,241, C>T. VCF-style: chr19-47702241-C-T. GRCh37 (hg19) VCF-style: chr19-48205498-C-T.
Other names: c.4509C>T, p.Ser1503= (NM_015711.3).
Identifiers: ClinVar variation 4872321 (VCV004872321.2).
Genomic context (GRCh38, chr19:47,702,241, plus strand): 5'-CCAGGCCAGCTTCTCCAGCGACAGCCCGCAGGATGACACGCTCACCGAGCACCTGCAGAG[C>T]GCCATCGACAGCATCCTGAACCTGCAGCAGGCCCCCGGCCGGACGCCCGCGCCCTCGTAC-3'
Protein context (NP_001381301.1, residues 1493-1513): QDDTLTEHLQ[Ser1503=]AIDSILNLQQ